The following is an entry in ClinVar:

ClinVar aggregate classification (germline): Benign/Likely benign. Review status: criteria provided, multiple submitters, no conflicts (2 of 4 stars). 4 submissions from 4 submitters: Benign (1); Likely benign (3). Last evaluated 2025-09-25.

Conditions:
Hereditary cancer-predisposing syndrome. Also called: Neoplastic Syndromes, Hereditary; Tumor predisposition; Hereditary Cancer Syndrome; Hereditary neoplastic syndrome. Identifiers: Orphanet 140162, MedGen C0027672, MeSH D009386, MONDO:0015356.
Familial adenomatous polyposis 1 (FAP1). Also called: FAMILIAL ADENOMATOUS POLYPOSIS 1, ATTENUATED; POLYPOSIS, ADENOMATOUS INTESTINAL. Identifiers: MedGen C2713442, MONDO:0021056, OMIM 175100. Disease mechanism: loss of function.
Classic or attenuated familial adenomatous polyposis. Identifiers: MedGen CN372698, MONDO:0021057.

Allele frequency attached by ClinVar (database versions not stated): gnomAD exomes below 0.00001.
gnomAD v4.1: 2 of 1,614,120 alleles (0.00012%); highest among the groups gnomAD compares: Non-Finnish European, 0.00017%; no homozygotes.

Submissions (4):

Labcorp Genetics (formerly Invitae), Labcorp
Classification: Likely benign for Familial adenomatous polyposis 1. Last evaluated: 2025-09-25. Review status: criteria provided, single submitter. Criteria: Invitae Variant Classification Sherloc (09022015). Collection method: clinical testing. Allele origin: germline.

Myriad Genetics, Inc.
Classification: Benign for Familial adenomatous polyposis 1. Last evaluated: 2024-03-26. Review status: criteria provided, single submitter. Criteria: Myriad Autosomal Dominant, Autosomal Recessive and X-Linked Classification Criteria (2023). Collection method: clinical testing. Allele origin: unknown.
Comment: This variant is considered benign. This variant is a silent/synonymous amino acid change and it is not expected to impact splicing.

All of Us Research Program, National Institutes of Health
Classification: Likely benign for Classic or attenuated familial adenomatous polyposis. Last evaluated: 2023-10-06. Review status: criteria provided, single submitter. Criteria: ACMG Guidelines, 2015. Collection method: clinical testing. Allele origin: germline. Inheritance: Autosomal dominant inheritance. Observed: 1 variant allele, 1 heterozygote.
Comment: This study involves interpretation of variants in research participants for the purpose of population health screening. Participant phenotype was not available at the time of variant classification. Additional details can be found in publication PMID: 35346344, PMCID: PMC8962531

Ambry Genetics
Classification: Likely benign for Hereditary cancer-predisposing syndrome. Last evaluated: 2015-05-13. Review status: criteria provided, single submitter. Criteria: Ambry Variant Classification Scheme 2023. Collection method: clinical testing. Allele origin: germline.

NM_000038.6(APC):c.4170C>T (p.Val1390=)

Gene: APC (APC regulator of Wnt signaling pathway; plus strand). Cytogenetic location: 5q22.2.
Variant type: single nucleotide variant.
Coding change: c.4170C>T on transcript NM_000038.6 (MANE Select); coding-DNA position 4170, C replaced by T.
Protein change: p.Val1390=; no amino-acid change (valine 1390 retained).
Molecular consequence: synonymous variant.
Genome position (GRCh38, 1-based): chr5:112,839,764, C>T. VCF-style: chr5-112839764-C-T. GRCh37 (hg19) VCF-style: chr5-112175461-C-T.
Other names: c.4170C>T, p.Val1390= (NM_001127510.3, NM_001354895.2); c.4116C>T, p.Val1372= (NM_001127511.3); c.4224C>T, p.Val1408= (NM_001354896.2); c.4200C>T, p.Val1400= (NM_001354897.2); c.4095C>T, p.Val1365= (NM_001354898.2); c.4086C>T, p.Val1362= (NM_001354899.2); c.4047C>T, p.Val1349= (NM_001354900.2); c.3993C>T, p.Val1331= (NM_001354901.2); and 5 more.
Identifiers: ClinVar variation 231751 (VCV000231751.18), dbSNP rs876659338, ClinGen allele CA10578371.